The following is an entry in ClinVar:

ClinVar aggregate classification (germline): Conflicting classifications of pathogenicity. Review status: criteria provided, conflicting classifications (1 of 4 stars). 4 submissions from 4 submitters: Uncertain significance (3); Likely benign (1). Last evaluated 2026-10-01.

Conditions:
Familial melanoma. Also called: Hereditary melanoma; Hereditary cutaneous melanoma. Identifiers: Orphanet 618, MedGen C1512419, MONDO:0018961.
Melanoma-pancreatic cancer syndrome. Identifiers: Orphanet 404560, MedGen C1838547, MONDO:0011713, OMIM 606719. Disease mechanism: loss of function.
Hereditary cancer-predisposing syndrome. Also called: Hereditary neoplastic syndrome; Neoplastic Syndromes, Hereditary; Hereditary Cancer Syndrome; Tumor predisposition. Identifiers: Orphanet 140162, MedGen C0027672, MeSH D009386, MONDO:0015356.

Allele frequency attached by ClinVar (database versions not stated): gnomAD exomes below 0.00001; TOPMed below 0.00001; gnomAD 0.00001.
gnomAD v4.1: 2 of 1,592,086 alleles (0.00013%); highest among the groups gnomAD compares: African/African-American, 0.0013%; no homozygotes.

Submissions (4):

St. Jude Molecular Pathology, St. Jude Children's Research Hospital
Classification: Uncertain significance for Melanoma-pancreatic cancer syndrome. Last evaluated: 2026-10-01. Review status: criteria provided, single submitter. Criteria: St. Jude Assertion Criteria 2020. Collection method: clinical testing. Allele origin: germline.
Comment: The CDKN2A c.4G>C p.(Glu2Gln) missense change is absent in gnomAD v2.1.1. The in silico tool REVEL predicts a benign effect on protein function, but to our knowledge this prediction has not been confirmed by functional studies. To our knowledge, this variant has not been reported in individuals with malignant melanoma and/or pancreatic cancer. In summary, the evidence currently available is insufficient to determine the clinical significan ce of this variant. It has therefore been classified as of uncertain significance.

Ambry Genetics
Classification: Likely benign for Hereditary cancer-predisposing syndrome. Last evaluated: 2024-11-25. Review status: criteria provided, single submitter. Criteria: Ambry Variant Classification Scheme 2023. Collection method: clinical testing. Allele origin: germline.

Color Diagnostics, LLC DBA Color Health
Classification: Uncertain significance for Hereditary cancer-predisposing syndrome. Last evaluated: 2021-09-15. Review status: criteria provided, single submitter. Criteria: ACMG Guidelines, 2015. Collection method: clinical testing. Allele origin: germline.
Comment: This missense variant replaces glutamic acid with glutamine at codon 2 of the CDKN2A (p16INK4A) protein. Computational prediction suggests that this variant may not impact protein structure and function (internally defined REVEL score threshold <= 0.5, PMID: 27666373). To our knowledge, functional studies have not been reported for this variant. This variant has not been reported in individuals affected with hereditary cancer in the literature. This variant has not been identified in the general population by the Genome Aggregation Database (gnomAD). The available evidence is insufficient to determine the role of this variant in disease conclusively. Therefore, this variant is classified as a Variant of Uncertain Significance.

Labcorp Genetics (formerly Invitae), Labcorp
Classification: Uncertain significance for Familial melanoma. Last evaluated: 2018-08-31. Review status: criteria provided, single submitter. Criteria: Invitae Variant Classification Sherloc (09022015). Collection method: clinical testing. Allele origin: germline.
Comment: In summary, this variant is a novel missense change that is not predicted to affect protein function. There is no indication that it causes disease, but the available evidence is currently insufficient to prove that conclusively. Therefore, it has been classified as a Variant of Uncertain Significance. Algorithms developed to predict the effect of missense changes on protein structure and function (SIFT, PolyPhen-2, Align-GVGD) all suggest that this variant is likely to be tolerated, but these predictions have not been confirmed by published functional studies. This variant is not present in population databases (ExAC no frequency) and has not been reported in the literature in individuals with a CDKN2A-related disease. This sequence change replaces glutamic acid with glutamine at codon 2 of the CDKN2A protein (p.Glu2Gln). The glutamic acid residue is weakly conserved and there is a small physicochemical difference between glutamic acid and glutamine.

NM_000077.5(CDKN2A):c.4G>C (p.Glu2Gln)

Genes: CDKN2A (cyclin dependent kinase inhibitor 2A; minus strand), LOC130001603 (ATAC-STARR-seq lymphoblastoid silent region 19811; plus strand). Cytogenetic location: 9p21.3.
Variant type: single nucleotide variant.
Coding change: c.4G>C on transcript NM_000077.5; coding-DNA position 4, G replaced by C.
Protein change: p.Glu2Gln; replaces glutamic acid 2 with glutamine.
Molecular consequence: missense variant (on NM_000077.6). On other transcripts: intron variant (2).
Genome position (GRCh38, 1-based): chr9:21,974,824, C>G on the plus strand (G>C on the coding strand, the complement: CDKN2A is on the minus strand). VCF-style: chr9-21974824-C-G. GRCh37 (hg19) VCF-style: chr9-21974823-C-G.
Other names: c.4G>C, p.Glu2Gln (NM_000077.6, NM_001195132.2, NM_058197.5); c.-3-3616G>C (NM_001363763.2); c.194-3616G>C (NM_058195.4); short protein forms E2Q.
Identifiers: ClinVar variation 406722 (VCV000406722.16), dbSNP rs1060501273, ClinGen allele CA16612714.